The following is an entry in ClinVar:

ClinVar aggregate classification (germline): Uncertain significance (1 of 4 stars; one submission).

Conditions:
Peroxisome biogenesis disorder. Identifiers: Orphanet 79189, MedGen C1832200, MONDO:0019234. Disease mechanism: loss of function.

Submission:

Labcorp Genetics (formerly Invitae), Labcorp
Classification: Uncertain significance for Peroxisome biogenesis disorder. Last evaluated: 2024-11-05. Review status: criteria provided, single submitter. Criteria: Invitae Variant Classification Sherloc (09022015). Collection method: clinical testing. Allele origin: germline.
Comment: This sequence change replaces lysine, which is basic and polar, with methionine, which is neutral and non-polar, at codon 493 of the PEX6 protein (p.Lys493Met). This variant is not present in population databases (gnomAD no frequency). This variant has not been reported in the literature in individuals affected with PEX6-related conditions. ClinVar contains an entry for this variant (Variation ID: 2109098). An algorithm developed to predict the effect of missense changes on protein structure and function (PolyPhen-2) suggests that this variant is likely to be disruptive. Algorithms developed to predict the effect of sequence changes on RNA splicing suggest that this variant may disrupt the consensus splice site. In summary, the available evidence is currently insufficient to determine the role of this variant in disease. Therefore, it has been classified as a Variant of Uncertain Significance.

NM_000287.4(PEX6):c.1478A>T (p.Lys493Met)

Gene: PEX6 (peroxisomal biogenesis factor 6; minus strand). Cytogenetic location: 6p21.1.
Variant type: single nucleotide variant.
Coding change: c.1478A>T on transcript NM_000287.4 (MANE Select); coding-DNA position 1478, A replaced by T.
Protein change: p.Lys493Met; replaces lysine 493 with methionine.
Molecular consequence: missense variant. On other transcripts: non-coding transcript variant (1).
Genome position (GRCh38, 1-based): chr6:42,968,875, T>A on the plus strand (A>T on the coding strand, the complement: PEX6 is on the minus strand). VCF-style: chr6-42968875-T-A. GRCh37 (hg19) VCF-style: chr6-42936613-T-A.
Other names: c.1214A>T, p.Lys405Met (NM_001316313.2); short protein forms K405M, K493M.
Identifiers: ClinVar variation 2109098 (VCV002109098.4), dbSNP rs2481228551, ClinGen allele CA364155135.
Genomic context (GRCh38, chr6:42,968,875, plus strand): 5'-GGGAGAACATGAGCTGGGGAGGGGAAGTAGCTGGGGTTCTACTCTCCAGAGACCCTCACC[T>A]TCAGTAAGTGGAGCCCAAGGTGACTACAGGCAGCAGCAACTACTGTGGTCTTCCCACAGC-3'
Protein context (NP_000278.3, residues 483-503): ACSHLGLHLL[Lys493Met]VPCSSLCAES